The following is an entry in ClinVar:

NM_020822.3(KCNT1):c.2152G>T (p.Asp718Tyr)

Gene: KCNT1 (potassium sodium-activated channel subfamily T member 1; plus strand). Cytogenetic location: 9q34.3.
Variant type: single nucleotide variant.
Coding change: c.2152G>T on transcript NM_020822.3 (MANE Select); coding-DNA position 2152, G replaced by T.
Protein change: p.Asp718Tyr; replaces aspartic acid 718 with tyrosine.
Molecular consequence: missense variant.
Genome position (GRCh38, 1-based): chr9:135,772,858, G>T. VCF-style: chr9-135772858-G-T. GRCh37 (hg19) VCF-style: chr9-138664704-G-T.
Other names: c.2017G>T, p.Asp673Tyr (NM_001272003.2); short protein forms D673Y, D718Y.
Identifiers: ClinVar variation 2939522 (VCV002939522.3), dbSNP rs777958749, ClinGen allele CA375510866.

ClinVar aggregate classification (germline): Uncertain significance (1 of 4 stars; one submission).

Conditions:
Autosomal dominant nocturnal frontal lobe epilepsy 5. Also called: Epilepsy, nocturnal frontal lobe, 5; CILIARY DYSKINESIA, PRIMARY, 28, WITHOUT SITUS INVERSUS; CILIARY DYSKINESIA, PRIMARY, 28, WITH SITUS INVERSUS; KCNT1-Related Epilepsy. Identifiers: Orphanet 98784, MedGen C3554306, MONDO:0014002, OMIM 615005.
Developmental and epileptic encephalopathy, 14 (DEE14). Also called: Early infantile epileptic encephalopathy 14. Identifiers: Orphanet 293181, MedGen C3554195, MONDO:0013989, OMIM 614959.

Submission:

Labcorp Genetics (formerly Invitae), Labcorp
Classification: Uncertain significance for Autosomal dominant nocturnal frontal lobe epilepsy 5; Developmental and epileptic encephalopathy, 14. Last evaluated: 2024-10-29. Review status: criteria provided, single submitter. Criteria: Invitae Variant Classification Sherloc (09022015). Collection method: clinical testing. Allele origin: germline.
Comment: This sequence change replaces aspartic acid, which is acidic and polar, with tyrosine, which is neutral and polar, at codon 718 of the KCNT1 protein (p.Asp718Tyr). This variant is not present in population databases (gnomAD no frequency). This variant has not been reported in the literature in individuals affected with KCNT1-related conditions. Invitae Evidence Modeling of protein sequence and biophysical properties (such as structural, functional, and spatial information, amino acid conservation, physicochemical variation, residue mobility, and thermodynamic stability) has been performed for this missense variant. However, the output from this modeling did not meet the statistical confidence thresholds required to predict the impact of this variant on KCNT1 protein function. In summary, the available evidence is currently insufficient to determine the role of this variant in disease. Therefore, it has been classified as a Variant of Uncertain Significance.